The following is an entry in ClinVar:

ClinVar aggregate classification (germline): Benign/Likely benign. Review status: criteria provided, multiple submitters, no conflicts (2 of 4 stars). 7 submissions from 7 submitters: Benign (1); Likely benign (5). 1 of the submissions does not count toward it. Last evaluated 2026-05-19.

Conditions:
NF1-related disorder. Also called: NF1-related condition. Identifiers: MedGen CN379171.
Hereditary cancer-predisposing syndrome. Also called: Tumor predisposition; Neoplastic Syndromes, Hereditary; Hereditary neoplastic syndrome; Hereditary Cancer Syndrome. Identifiers: Orphanet 140162, MedGen C0027672, MeSH D009386, MONDO:0015356.
Neurofibromatosis, familial spinal (FSNF). Identifiers: Orphanet 636, MedGen C1834235, MONDO:0008078, OMIM 162210. Disease mechanism: loss of function.
Neurofibromatosis-Noonan syndrome (NFNS). Also called: NEUROFIBROMATOSIS WITH NOONAN PHENOTYPE. Identifiers: Orphanet 638, MedGen C2931482, MONDO:0011035, OMIM 601321. Disease mechanism: loss of function.
Neurofibromatosis, type 1 (NF1). Also called: NEUROFIBROMATOSIS, TYPE I, SOMATIC; Peripheral type neurofibromatosis; VON RECKLINGHAUSEN DISEASE; Neurofibromatosis, type I. Identifiers: Orphanet 636, MedGen C0027831, MONDO:0018975, OMIM 162200. Disease mechanism: loss of function.
Café-au-lait macules with pulmonary stenosis (WTSN). Also called: PULMONIC STENOSIS WITH CAFE-AU-LAIT SPOTS. Identifiers: MedGen C0553586, MONDO:0008672, OMIM 193520.
Juvenile myelomonocytic leukemia (JMML). Also called: LEUKEMIA, JUVENILE MYELOMONOCYTIC, SOMATIC. Identifiers: Orphanet 86834, MedGen C0349639, MONDO:0011908, OMIM 607785, HP:0012209.

Allele frequency attached by ClinVar (database versions not stated): gnomAD exomes 0.00003 and 0.00006; ExAC 0.00007; gnomAD below 0.00001 and 0.00001; TOPMed below 0.00001.
gnomAD v4.1: 45 of 1,613,950 alleles (0.0028%); highest among the groups gnomAD compares: South Asian, 0.047%; no homozygotes.

Submissions (7):

Myriad Genetics, Inc.
Classification: Benign for Neurofibromatosis, type 1. Last evaluated: 2026-05-19. Review status: criteria provided, single submitter. Criteria: Myriad Autosomal Dominant, Autosomal Recessive and X-Linked Classification Criteria (2023). Collection method: clinical testing. Allele origin: unknown.
Comment: This variant is considered benign. This variant is a silent/synonymous amino acid change and it is not expected to impact splicing.

Labcorp Genetics (formerly Invitae), Labcorp
Classification: Likely benign for Neurofibromatosis, type 1. Last evaluated: 2026-02-02. Review status: criteria provided, single submitter. Criteria: Invitae Variant Classification Sherloc (09022015). Collection method: clinical testing. Allele origin: germline.

Genome-Nilou Lab
Classification: Likely benign for Neurofibromatosis, type 1. Last evaluated: 2022-03-15. Review status: criteria provided, single submitter. Criteria: ACMG Guidelines, 2015. Collection method: clinical testing. Allele origin: germline. Affected: no.

Fulgent Genetics
Classification: Likely benign for Neurofibromatosis, type 1; Neurofibromatosis, familial spinal; Café-au-lait macules with pulmonary stenosis; Neurofibromatosis-Noonan syndrome; Juvenile myelomonocytic leukemia. Last evaluated: 2021-10-22. Review status: criteria provided, single submitter. Criteria: ACMG Guidelines, 2015. Collection method: clinical testing. Allele origin: unknown.

Blueprint Genetics
Classification: Likely benign. Last evaluated: 2021-06-03. Review status: criteria provided, single submitter. Criteria: ACMG Guidelines, 2015. Collection method: clinical testing. Allele origin: germline.

Ambry Genetics
Classification: Likely benign for Hereditary cancer-predisposing syndrome. Last evaluated: 2015-08-31. Review status: criteria provided, single submitter. Criteria: Ambry Autosomal Dominant and X-Linked criteria (10/2015). Collection method: clinical testing. Allele origin: germline. Observed: 1 variant allele.

PreventionGenetics, part of Exact Sciences
Classification: Likely benign for NF1-related condition. Last evaluated: 2019-07-31. Review status: no assertion criteria provided. Collection method: clinical testing. Allele origin: germline. Not counted in ClinVar's aggregate classification.
Comment: This variant is classified as likely benign based on ACMG/AMP sequence variant interpretation guidelines (Richards et al. 2015 PMID: 25741868, with internal and published modifications).

NM_001042492.3(NF1):c.4500T>C (p.Ser1500=)

Gene: NF1 (neurofibromin 1; plus strand). Cytogenetic location: 17q11.2.
Variant type: single nucleotide variant.
Coding change: c.4500T>C on transcript NM_001042492.3 (MANE Select); coding-DNA position 4500, T replaced by C.
Protein change: p.Ser1500=; no amino-acid change (serine 1500 retained).
Molecular consequence: synonymous variant.
Genome position (GRCh38, 1-based): chr17:31,260,438, T>C. VCF-style: chr17-31260438-T-C. GRCh37 (hg19) VCF-style: chr17-29587456-T-C.
Other names: c.4437T>C, p.Ser1479= (NM_000267.4).
Identifiers: ClinVar variation 184707 (VCV000184707.17), dbSNP rs775018971, ClinGen allele CA189779.
Genomic context (GRCh38, chr17:31,260,438, plus strand): 5'-TGATATAGCATCTGATTGTCCTACAAGTGATGCAGTAAATCATAGTCTTTCCTTCATAAG[T>C]GACGGCAATGTGCTTGCTTTACATCGTCTACTCTGGAACAATCAGGAGAAAATTGGGCAG-3'
Protein context (NP_001035957.1, residues 1490-1510): DAVNHSLSFI[Ser1500=]DGNVLALHRL